The following is an entry in ClinVar:

NM_002602.4(PDE6G):c.176G>A (p.Gly59Asp)

Gene: PDE6G (phosphodiesterase 6G; minus strand). Cytogenetic location: 17q25.3.
Variant type: single nucleotide variant.
Coding change: c.176G>A on transcript NM_002602.4 (MANE Select); coding-DNA position 176, G replaced by A.
Protein change: p.Gly59Asp; replaces glycine 59 with aspartic acid.
Molecular consequence: missense variant. On other transcripts: non-coding transcript variant (2).
Genome position (GRCh38, 1-based): chr17:81,651,656, C>T on the plus strand (G>A on the coding strand, the complement: PDE6G is on the minus strand). VCF-style: chr17-81651656-C-T. GRCh37 (hg19) VCF-style: chr17-79618686-C-T.
Other names: c.176G>A, p.Gly59Asp (NM_001365724.1, NM_001365725.1); short protein forms G59D.
Identifiers: ClinVar variation 1039676 (VCV001039676.8), dbSNP rs779525290, ClinGen allele CA401474239.

ClinVar aggregate classification (germline): Uncertain significance (1 of 4 stars; one submission).

gnomAD v4.1: 3 of 1,613,920 alleles (0.00019%); highest among the groups gnomAD compares: African/African-American, 0.0027%; no homozygotes.

Submission:

Labcorp Genetics (formerly Invitae), Labcorp
Classification: Uncertain significance. Last evaluated: 2020-03-12. Review status: criteria provided, single submitter. Criteria: Invitae Variant Classification Sherloc (09022015). Collection method: clinical testing. Allele origin: germline.
Comment: This sequence change replaces glycine with aspartic acid at codon 59 of the PDE6G protein (p.Gly59Asp). The glycine residue is highly conserved and there is a moderate physicochemical difference between glycine and aspartic acid. In summary, the available evidence is currently insufficient to determine the role of this variant in disease. Therefore, it has been classified as a Variant of Uncertain Significance. Algorithms developed to predict the effect of missense changes on protein structure and function (SIFT, PolyPhen-2, Align-GVGD) all suggest that this variant is likely to be disruptive, but these predictions have not been confirmed by published functional studies and their clinical significance is uncertain. This variant has not been reported in the literature in individuals with PDE6G-related conditions. This variant is not present in population databases (ExAC no frequency).